The following is an entry in ClinVar:

NM_013275.6(ANKRD11):c.4510A>T (p.Thr1504Ser)

Gene: ANKRD11 (ankyrin repeat domain 11; minus strand). Cytogenetic location: 16q24.3.
Variant type: single nucleotide variant.
Coding change: c.4510A>T on transcript NM_013275.6 (MANE Select); coding-DNA position 4510, A replaced by T.
Protein change: p.Thr1504Ser; replaces threonine 1504 with serine.
Molecular consequence: missense variant.
Genome position (GRCh38, 1-based): chr16:89,282,032, T>A on the plus strand (A>T on the coding strand, the complement: ANKRD11 is on the minus strand). VCF-style: chr16-89282032-T-A. GRCh37 (hg19) VCF-style: chr16-89348440-T-A.
Other names: c.4510A>T, p.Thr1504Ser (NM_001256182.2, NM_001256183.2); short protein forms T1504S.
Identifiers: ClinVar variation 3543538 (VCV003543538.2).

ClinVar aggregate classification (germline): Conflicting classifications of pathogenicity. Review status: criteria provided, conflicting classifications (1 of 4 stars). 2 submissions from 2 submitters: Uncertain significance (1); Likely benign (1). Last evaluated 2025-07-14.

Conditions:
KBG syndrome (KBGS). Also called: ANKRD11-Related KBG Syndrome. Identifiers: Orphanet 2332, MedGen C0220687, MONDO:0007846, OMIM 148050.
Inborn genetic diseases. Identifiers: MedGen C0950123, MeSH D030342.

gnomAD v4.1: 16 of 1,613,456 alleles (0.00099%); highest among the groups gnomAD compares: African/African-American, 0.0013%; no homozygotes.

Submissions (2):

Labcorp Genetics (formerly Invitae), Labcorp
Classification: Uncertain significance for KBG syndrome. Last evaluated: 2025-07-14. Review status: criteria provided, single submitter. Criteria: Invitae Variant Classification Sherloc (09022015). Collection method: clinical testing. Allele origin: germline.
Comment: This sequence change replaces threonine, which is neutral and polar, with serine, which is neutral and polar, at codon 1504 of the ANKRD11 protein (p.Thr1504Ser). This variant is present in population databases (rs144684570, gnomAD 0.01%). This variant has not been reported in the literature in individuals affected with ANKRD11-related conditions. ClinVar contains an entry for this variant (Variation ID: 3543538). Invitae Evidence Modeling of protein sequence and biophysical properties (such as structural, functional, and spatial information, amino acid conservation, physicochemical variation, residue mobility, and thermodynamic stability) indicates that this missense variant is not expected to disrupt ANKRD11 protein function with a negative predictive value of 95%. In summary, the available evidence is currently insufficient to determine the role of this variant in disease. Therefore, it has been classified as a Variant of Uncertain Significance.

Ambry Genetics
Classification: Likely benign for Inborn genetic diseases. Last evaluated: 2024-07-23. Review status: criteria provided, single submitter. Criteria: Ambry Variant Classification Scheme 2023. Collection method: clinical testing. Allele origin: germline.